The following is an entry in ClinVar:

NM_001298.3(CNGA3):c.488C>A (p.Pro163Gln)

Gene: CNGA3 (cyclic nucleotide gated channel subunit alpha 3; plus strand). Cytogenetic location: 2q11.2.
Variant type: single nucleotide variant.
Coding change: c.488C>A on transcript NM_001298.3 (MANE Select); coding-DNA position 488, C replaced by A.
Protein change: p.Pro163Gln; replaces proline 163 with glutamine.
Molecular consequence: missense variant.
Genome position (GRCh38, 1-based): chr2:98,389,696, C>A. VCF-style: chr2-98389696-C-A. GRCh37 (hg19) VCF-style: chr2-99006159-C-A.
Other names: c.434C>A, p.Pro145Gln (NM_001079878.2); short protein forms P145Q, P163Q.
Identifiers: ClinVar variation 2331651 (VCV002331651.5), dbSNP rs104893612, ClinGen allele CA347831493.

ClinVar aggregate classification (germline): Conflicting classifications of pathogenicity. Review status: criteria provided, conflicting classifications (1 of 4 stars). 2 submissions from 2 submitters: Likely pathogenic (1); Uncertain significance (1). Last evaluated 2023-03-21.

Conditions:
Inborn genetic diseases. Identifiers: MedGen C0950123, MeSH D030342.

gnomAD v4.1: 1 of 1,613,852 alleles (0.000062%); highest among the groups gnomAD compares: Admixed American, 0.0017%; no homozygotes.

Submissions (2):

Labcorp Genetics (formerly Invitae), Labcorp
Classification: Likely pathogenic. Last evaluated: 2023-03-21. Review status: criteria provided, single submitter. Criteria: Invitae Variant Classification Sherloc (09022015). Collection method: clinical testing. Allele origin: germline.
Comment: This sequence change replaces proline, which is neutral and non-polar, with glutamine, which is neutral and polar, at codon 163 of the CNGA3 protein (p.Pro163Gln). In summary, the currently available evidence indicates that the variant is pathogenic, but additional data are needed to prove that conclusively. Therefore, this variant has been classified as Likely Pathogenic. This variant disrupts the p.Pro163 amino acid residue in CNGA3. Other variant(s) that disrupt this residue have been determined to be pathogenic (PMID: 9662398, 17693388, 23105016). This suggests that this residue is clinically significant, and that variants that disrupt this residue are likely to be disease-causing. Advanced modeling of protein sequence and biophysical properties (such as structural, functional, and spatial information, amino acid conservation, physicochemical variation, residue mobility, and thermodynamic stability) performed at Invitae indicates that this missense variant is expected to disrupt CNGA3 protein function. ClinVar contains an entry for this variant (Variation ID: 2331651). This variant has not been reported in the literature in individuals affected with CNGA3-related conditions. This variant is not present in population databases (gnomAD no frequency).

Ambry Genetics
Classification: Uncertain significance for Inborn genetic diseases. Last evaluated: 2022-12-02. Review status: criteria provided, single submitter. Criteria: Ambry Variant Classification Scheme 2023. Collection method: clinical testing. Allele origin: germline.

Literature cited by the submitters: PubMed 9662398 (cited by Labcorp Genetics (formerly Invitae), Labcorp); PubMed 17693388 (cited by Labcorp Genetics (formerly Invitae), Labcorp); PubMed 23105016 (cited by Labcorp Genetics (formerly Invitae), Labcorp).